The following is an entry in ClinVar:

ClinVar aggregate classification (germline): Uncertain significance (1 of 4 stars; one submission).

Conditions:
Chromosome 2q32-q33 deletion syndrome (GLASS). Also called: Glass syndrome; 2q33.1 deletion syndrome. Identifiers: Orphanet 251019, MedGen C2676739, MONDO:0012864, OMIM 612313.

Allele frequency attached by ClinVar (database versions not stated): gnomAD exomes below 0.00001; ExAC 0.00001.
gnomAD v4.1: 1 of 1,614,138 alleles (0.000062%); highest among the groups gnomAD compares: Admixed American, 0.0017%; no homozygotes.

Submission:

Labcorp Genetics (formerly Invitae), Labcorp
Classification: Uncertain significance for Chromosome 2q32-q33 deletion syndrome. Last evaluated: 2022-03-22. Review status: criteria provided, single submitter. Criteria: Invitae Variant Classification Sherloc (09022015). Collection method: clinical testing. Allele origin: germline.
Comment: In summary, the available evidence is currently insufficient to determine the role of this variant in disease. Therefore, it has been classified as a Variant of Uncertain Significance. Advanced modeling of protein sequence and biophysical properties (such as structural, functional, and spatial information, amino acid conservation, physicochemical variation, residue mobility, and thermodynamic stability) performed at Invitae indicates that this missense variant is not expected to disrupt SATB2 protein function. This variant has not been reported in the literature in individuals affected with SATB2-related conditions. This variant is present in population databases (rs768080548, gnomAD 0.003%). This sequence change replaces proline, which is neutral and non-polar, with serine, which is neutral and polar, at codon 287 of the SATB2 protein (p.Pro287Ser).

NM_001172509.2(SATB2):c.859C>T (p.Pro287Ser)

Gene: SATB2 (SATB homeobox 2; minus strand). Cytogenetic location: 2q33.1.
Variant type: single nucleotide variant.
Coding change: c.859C>T on transcript NM_001172509.2 (MANE Select); coding-DNA position 859, C replaced by T.
Protein change: p.Pro287Ser; replaces proline 287 with serine.
Molecular consequence: missense variant.
Genome position (GRCh38, 1-based): chr2:199,349,015, G>A on the plus strand (C>T on the coding strand, the complement: SATB2 is on the minus strand). VCF-style: chr2-199349015-G-A. GRCh37 (hg19) VCF-style: chr2-200213738-G-A.
Other names: c.859C>T, p.Pro287Ser (NM_001172517.1, NM_015265.4); short protein forms P287S.
Identifiers: ClinVar variation 1396001 (VCV001396001.6), dbSNP rs768080548, ClinGen allele CA2045995.